The following is an entry in ClinVar:

ClinVar aggregate classification (germline): Conflicting classifications of pathogenicity. Review status: criteria provided, conflicting classifications (1 of 4 stars). 20 submissions from 20 submitters: Uncertain significance (14); Benign (2); Likely benign (1). 3 of the submissions do not count toward it. Last evaluated 2026-02-01.

Conditions:
CFTR-related disorder (CFTR-RD). Also called: CFTR-related disorders; CFTR-related condition. Identifiers: MedGen C5924204, MONDO:7770004.
Cystic fibrosis (CF). Also called: MUCOVISCIDOSIS. Identifiers: Orphanet 586, MedGen C0010674, MONDO:0009061, OMIM 219700. Disease mechanism: loss of function.
Hereditary pancreatitis (PCTT). Also called: PRSS1-Related Hereditary Pancreatitis; Hereditary chronic pancreatitis. Identifiers: Orphanet 676, MedGen C0238339, MONDO:0008185, OMIM 167800.

Allele frequency attached by ClinVar (database versions not stated): ESP Exome Variant Server 0.00008; TOPMed 0.00031; gnomAD 0.00040 and 0.00037; ExAC 0.00041; gnomAD exomes 0.00044; 1000 Genomes Project 30x 0.00047; 1000 Genomes Project 0.00040.
gnomAD v4.1: 655 of 1,612,886 alleles (0.041%); highest among the groups gnomAD compares: Admixed American, 0.18%; 2 homozygotes.

Submissions 1 to 13 of 20:

Labcorp Genetics (formerly Invitae), Labcorp
Classification: Benign for Cystic fibrosis. Last evaluated: 2026-02-01. Review status: criteria provided, single submitter. Criteria: Invitae Variant Classification Sherloc (09022015). Collection method: clinical testing. Allele origin: germline.

Ambry Genetics
Classification: Uncertain significance for Cystic fibrosis. Last evaluated: 2025-06-16. Review status: criteria provided, single submitter. Criteria: Ambry Variant Classification Scheme 2023. Collection method: clinical testing. Allele origin: germline.
Comment: The p.D836Y variant (also known as c.2506G>T), located in coding exon 15 of the CFTR gene, results from a G to T substitution at nucleotide position 2506. The aspartic acid at codon 836 is replaced by tyrosine, an amino acid with highly dissimilar properties. This alteration was reported in trans with the p.F508del mutation in a newborn with a negative newborn screen and sweat test (Narzi L et al. Clin. Genet., 2007 Jul;72:39-46). In addition, this alteration was identified in an individual who had p.F508del and normal sweat test (de Gracia J et al. Thorax, 2005 Jul;60:558-63), as well as two affected newborns that had two known pathogenic mutations in CFTR (Salinas DB et al. PLoS ONE, 2016 May;11:e0155624); however, the phase is not known. This alteration was also described in study cohorts of cystic fibrosis; however, clinical details were limited (des Georges M et al. J. Cyst. Fibros., 2004 Dec;3:265-72; Schrijver I et al. J Mol Diagn, 2005 May;7:289-99). In CFBE cells, this variant demonstrated 122% of wild type CFTR function (Raraigh KS et al. Am. J. Hum. Genet., 2018 Jun;102:1062-1077). This amino acid position is well conserved in available vertebrate species. In addition, this alteration is predicted to be deleterious by in silico analysis. Based on the available evidence, the clinical significance of this variant remains unclear.

3billion
Classification: Uncertain significance for Cystic fibrosis. Last evaluated: 2025-06-02. Review status: criteria provided, single submitter. Criteria: ACMG Guidelines, 2015. Collection method: clinical testing. Allele origin: germline. Affected: yes.
Comment: The variant is observed at an extremely low frequency in the gnomAD v4.1.0 dataset (total allele frequency: 0.041%). Predicted Consequence/Location: Missense variant In silico tool predictions suggest damaging effect of the variant on gene or gene product [REVEL: 0.92 (>=0.6, sensitivity 0.68 and specificity 0.92)]. The same nucleotide change resulting in the same amino acid change has been previously reported to be associated with CFTR-related disorder (PMID: 15698946). However, the evidence of pathogenicity is insufficient at this time. Therefore, this variant is classified as VUS according to the recommendation of ACMG/AMP guideline.

ARUP Laboratories, Molecular Genetics and Genomics, ARUP Laboratories
Classification: Uncertain significance. Last evaluated: 2025-05-26. Review status: criteria provided, single submitter. Criteria: ARUP Molecular Germline Variant Investigation Process 2024. Collection method: clinical testing. Allele origin: germline.
Comment: The CFTR c.2506G>T; p.Asp836Tyr variant (rs201386642) has been reported in patients with diagnoses or symptoms of CF (des Georges 2004, de Gracia 2005, Schrijver 2005, CFTR2 database). However, p.Asp836Tyr has also been reported in two individuals with pancreatic-insufficient CF (Salinas 2016) who were compound heterozygotes for two known severe pathogenic variants (F508del and 2215insG). The p.Asp836Tyr variant is listed in ClinVar (Variation ID: 53505) and is found in the Latino population with a frequency of 0.18% (62/35414 alleles) in the Genome Aggregation Database (v2.1.1). Computational analyses predict that this variant is deleterious (REVEL: 0.924). However, the p.Asp836Tyr variant exhibits wildtype chloride channel activity in conductance assays (Raraigh 2018). Another in vitro functional assay, in Fisher Rat Thyroid cells evaluating chloride channel conductance, demonstrates 47% of normal conductance compared to wildtype (Bihler 2024). Due to conflicting information, the clinical significance of the p.Asp836Tyr variant is uncertain at this time. References: CFTR2 database: Bihler H et al. In vitro modulator responsiveness of 655 CFTR variants found in people with cystic fibrosis. J Cyst Fibros. 2024 Jul;23(4):664-675. PMID: 38388235. de Gracia J et al. Genotype-phenotype correlation for pulmonary function in cystic fibrosis. Thorax. 2005 Jul;60(7):558-63. PMID: 15994263. des Georges M et al. High heterogeneity of CFTR mutations and unexpected low incidence of cystic fibrosis in the Mediterranean France. J Cyst Fibros. 2004 Dec;3(4):265-72. PMID: 15698946. Raraigh KS et al. Functional Assays Are Essential for Interpretation of Missense Variants Associated with Variable Expressivity. Am J Hum Genet. 2018 Jun 7;102(6):1062-1077. PMID: 29805046. Salinas D et al. Benign and Deleterious Cystic Fibrosis Transmembrane Conductance Regulator Mutations Identified by Sequencing in Positive Cystic Fibrosis Newborn Screen Children from California. PLoS One. 2016 May 23;11(5):e0155624. PMID: 27214204. Schrijver I et al. Diagnostic testing by CFTR gene mutation analysis in a large group of Hispanics: novel mutations and assessment of a population-specific mutation spectrum. J Mol Diagn. 2005 May;7(2):289-99. PMID: 15858154.

Dasa
Classification: Uncertain significance. Last evaluated: 2025-04-08. Review status: criteria provided, single submitter. Criteria: DASA Assertion Criteria. Collection method: clinical testing. Allele origin: germline.
Comment: NM_000492.4(CFTR):c.2506G>T (p.Asp836Tyr) is a missense variant that results in the substitution of aspartic acid with tyrosine. Functional evidence supports an impact on the gene or gene product. Published studies describe this variant in association with related phenotype (PMID: 15698946; PMID: 15858154; PMID: 15994263; PMID: 34860163; PMID: 36409994). The currently available literature and clinical evidence are not sufficient to establish a definitive association between this variant and the reported condition. Therefore, this variant is classified as a variant of uncertain significance.

Mendelics
Classification: Likely benign for Cystic fibrosis. Last evaluated: 2025-03-20. Review status: criteria provided, single submitter. Criteria: ACMG Guidelines, 2015. Collection method: clinical testing. Allele origin: unknown.
Comment: Variant NM_000492.4(CFTR):c.2506G>T (p.Asp836Tyr) is found frequent in Mendelics internal database. GnomAD 4.1 frequency of 0.0004061 with 2 homozygotes

Quest Diagnostics Nichols Institute San Juan Capistrano
Classification: Uncertain significance. Last evaluated: 2024-12-04. Review status: criteria provided, single submitter. Criteria: Quest Diagnostics criteria. Collection method: clinical testing. Allele origin: unknown.
Comment: The CFTR c.2506G>T (p.Asp836Tyr) variant has been reported in individuals with cystic fibrosis (CF) (PMID: 15698946 (2004), 15994263 (2005), 34860163 (2021), 36409994 (2022)), or CF/CFTR-related disorders (PMID: 15858154 (2005)). It had also been observed in an asymptomatic individual carrying a CF-causing variant in trans (CFTR-France,). Functional studies reported this variant to have chloride conductance activities ranging from 47% to 122% (PMID: 38388235 (2024), 29805046 (2018)), with varied responses to pharmacological modulators (PMID: 38388235 (2024), 35527187 (2022)). The frequency of this variant in the general population (Genome Aggregation Database) is uninformative in the assessment of its pathogenicity. Based on the available information, we are unable to determine the clinical significance of this variant.

Blueprint Genetics
Classification: Uncertain significance. Last evaluated: 2024-10-10. Review status: criteria provided, single submitter. Criteria: ACMG Guidelines, 2015. Collection method: clinical testing. Allele origin: germline.

Genomic Medicine Center of Excellence, King Faisal Specialist Hospital and Research Centre
Classification: Uncertain significance for Cystic fibrosis. Last evaluated: 2024-03-26. Review status: criteria provided, single submitter. Criteria: ACMG Guidelines, 2015. Collection method: clinical testing. Allele origin: germline.

Institute of Human Genetics, University of Leipzig Medical Center
Classification: Uncertain significance for Cystic fibrosis. Last evaluated: 2022-09-05. Review status: criteria provided, single submitter. Criteria: ACMG Guidelines, 2015. Collection method: curation. Allele origin: unknown. Affected: yes. Observed: 1 variant allele.
Comment: The variant was classified in the context of a project re-classifying variants in the German Cystic Fibrosis Registry (Muko.e.V.). Criteria applied: PM3_STR, PP3, BS3, BP2

Revvity Omics, Revvity
Classification: Uncertain significance. Last evaluated: 2022-06-27. Review status: criteria provided, single submitter. Criteria: ACMG Guidelines, 2015. Collection method: clinical testing. Allele origin: germline.

MGZ Medical Genetics Center
Classification: Uncertain significance for Hereditary pancreatitis. Last evaluated: 2021-10-07. Review status: criteria provided, single submitter. Criteria: ACMG Guidelines, 2015. Collection method: clinical testing. Allele origin: germline. Affected: yes. Observed: 1 variant allele.
Comment: ACMG criteria applied: PS4_MOD, PM2_SUP, PP3, BS3_SUP

Mayo Clinic Laboratories, Mayo Clinic
Classification: Uncertain significance. Last evaluated: 2021-09-10. Review status: criteria provided, single submitter. Criteria: ACMG Guidelines, 2015. Collection method: clinical testing. Allele origin: germline.

NM_000492.4(CFTR):c.2506G>T (p.Asp836Tyr)

Gene: CFTR (CF transmembrane conductance regulator; plus strand). Cytogenetic location: 7q31.2.
Variant type: single nucleotide variant.
Coding change: c.2506G>T on transcript NM_000492.4 (MANE Select); coding-DNA position 2506, G replaced by T.
Protein change: p.Asp836Tyr; replaces aspartic acid 836 with tyrosine.
Molecular consequence: missense variant.
Genome position (GRCh38, 1-based): chr7:117,594,945, G>T. VCF-style: chr7-117594945-G-T. GRCh37 (hg19) VCF-style: chr7-117234999-G-T.
Other names: short protein forms D836Y.
Identifiers: ClinVar variation 53505 (VCV000053505.55), dbSNP rs201386642, ClinGen allele CA326836.